The following is an entry in ClinVar:

NM_015629.4(PRPF31):c.704C>G (p.Ala235Gly)

Gene: PRPF31 (pre-mRNA processing factor 31; plus strand). Cytogenetic location: 19q13.42.
Variant type: single nucleotide variant.
Coding change: c.704C>G on transcript NM_015629.4 (MANE Select); coding-DNA position 704, C replaced by G.
Protein change: p.Ala235Gly; replaces alanine 235 with glycine.
Molecular consequence: missense variant.
Genome position (GRCh38, 1-based): chr19:54,124,505, C>G. VCF-style: chr19-54124505-C-G. GRCh37 (hg19) VCF-style: chr19-54627884-C-G.
Other names: c.704C>G (NM_015629.3); short protein forms A235G.
Identifiers: ClinVar variation 2076745 (VCV002076745.5), dbSNP rs2516155318, ClinGen allele CA407751044.

ClinVar aggregate classification (germline): Uncertain significance. Review status: criteria provided, multiple submitters, no conflicts (2 of 4 stars). 2 submissions from 2 submitters: Uncertain significance (2). Last evaluated 2023-10-03.

Conditions:
Inborn genetic diseases. Identifiers: MedGen C0950123, MeSH D030342.

gnomAD v4.1: 1 of 1,592,308 alleles (0.000063%); highest among the groups gnomAD compares: Admixed American, 0.0017%; no homozygotes.

Submissions (2):

Ambry Genetics
Classification: Uncertain significance for Inborn genetic diseases. Last evaluated: 2023-10-03. Review status: criteria provided, single submitter. Criteria: Ambry Variant Classification Scheme 2023. Collection method: clinical testing. Allele origin: germline.

Labcorp Genetics (formerly Invitae), Labcorp
Classification: Uncertain significance. Last evaluated: 2023-08-04. Review status: criteria provided, single submitter. Criteria: Invitae Variant Classification Sherloc (09022015). Collection method: clinical testing. Allele origin: germline.
Comment: This variant has not been reported in the literature in individuals affected with PRPF31-related conditions. In summary, the available evidence is currently insufficient to determine the role of this variant in disease. Therefore, it has been classified as a Variant of Uncertain Significance. An algorithm developed to predict the effect of missense changes on protein structure and function (PolyPhen-2) suggests that this variant is likely to be disruptive. ClinVar contains an entry for this variant (Variation ID: 2076745). This variant is not present in population databases (gnomAD no frequency). This sequence change replaces alanine, which is neutral and non-polar, with glycine, which is neutral and non-polar, at codon 235 of the PRPF31 protein (p.Ala235Gly).